The following is an entry in ClinVar:

ClinVar aggregate classification (germline): Uncertain significance. Review status: criteria provided, multiple submitters, no conflicts (2 of 4 stars). 2 submissions from 2 submitters: Uncertain significance (2). Last evaluated 2025-07-23.

Conditions:
Charcot-Marie-Tooth disease axonal type 2Z. Also called: CHARCOT-MARIE-TOOTH DISEASE, AXONAL, AUTOSOMAL DOMINANT, TYPE 2Z; CHARCOT-MARIE-TOOTH NEUROPATHY, TYPE 2Z. Identifiers: Orphanet 466768, MedGen C5569025, MONDO:0014736, OMIM 616688.

Allele frequency attached by ClinVar (database versions not stated): TOPMed below 0.00001; gnomAD 0.00001; gnomAD exomes 0.00001.
gnomAD v4.1: 11 of 1,614,024 alleles (0.00068%); highest among the groups gnomAD compares: Non-Finnish European, 0.00093%; no homozygotes.

Submissions (2):

Labcorp Genetics (formerly Invitae), Labcorp
Classification: Uncertain significance for Charcot-Marie-Tooth disease axonal type 2Z. Last evaluated: 2025-07-23. Review status: criteria provided, single submitter. Criteria: Invitae Variant Classification Sherloc (09022015). Collection method: clinical testing. Allele origin: germline.
Comment: This sequence change replaces arginine, which is basic and polar, with glutamine, which is neutral and polar, at codon 736 of the MORC2 protein (p.Arg736Gln). This variant is not present in population databases (gnomAD no frequency). This variant has not been reported in the literature in individuals affected with MORC2-related conditions. ClinVar contains an entry for this variant (Variation ID: 1059652). Invitae Evidence Modeling of protein sequence and biophysical properties (such as structural, functional, and spatial information, amino acid conservation, physicochemical variation, residue mobility, and thermodynamic stability) indicates that this missense variant is not expected to disrupt MORC2 protein function with a negative predictive value of 95%. In summary, the available evidence is currently insufficient to determine the role of this variant in disease. Therefore, it has been classified as a Variant of Uncertain Significance.

Blueprint Genetics
Classification: Uncertain significance. Last evaluated: 2023-10-24. Review status: criteria provided, single submitter. Criteria: ACMG Guidelines, 2015. Collection method: clinical testing. Allele origin: germline.

NM_001303256.3(MORC2):c.2207G>A (p.Arg736Gln)

Gene: MORC2 (MORC family CW-type zinc finger 2; minus strand). Cytogenetic location: 22q12.2.
Variant type: single nucleotide variant.
Coding change: c.2207G>A on transcript NM_001303256.3 (MANE Select); coding-DNA position 2207, G replaced by A.
Protein change: p.Arg736Gln; replaces arginine 736 with glutamine.
Molecular consequence: missense variant.
Genome position (GRCh38, 1-based): chr22:30,934,178, C>T on the plus strand (G>A on the coding strand, the complement: MORC2 is on the minus strand). VCF-style: chr22-30934178-C-T. GRCh37 (hg19) VCF-style: chr22-31330165-C-T.
Other names: c.2207G>A, p.Arg736Gln (NM_001303257.2); c.2021G>A, p.Arg674Gln (NM_014941.3); short protein forms R674Q, R736Q.
Identifiers: ClinVar variation 1059652 (VCV001059652.8), dbSNP rs957333682, ClinGen allele CA323270658.